The following is an entry in ClinVar:

NM_182914.3(SYNE2):c.20536C>T (p.Pro6846Ser)

Gene: SYNE2 (spectrin repeat containing nuclear envelope protein 2; plus strand). Cytogenetic location: 14q23.2.
Variant type: single nucleotide variant.
Coding change: c.20536C>T on transcript NM_182914.3 (MANE Select); coding-DNA position 20536, C replaced by T.
Protein change: p.Pro6846Ser; replaces proline 6846 with serine.
Molecular consequence: missense variant.
Genome position (GRCh38, 1-based): chr14:64,225,338, C>T. VCF-style: chr14-64225338-C-T. GRCh37 (hg19) VCF-style: chr14-64692056-C-T.
Other names: c.20470C>T, p.Pro6824Ser (NM_015180.6); c.1102C>T, p.Pro368Ser (NM_182910.2); c.1483C>T, p.Pro495Ser (NM_182913.4); short protein forms P6846S, P495S, P6824S, P368S.
Identifiers: ClinVar variation 313668 (VCV000313668.19), dbSNP rs147848144, ClinGen allele CA7224941.

ClinVar aggregate classification (germline): Conflicting classifications of pathogenicity. Review status: criteria provided, conflicting classifications (1 of 4 stars). 5 submissions from 5 submitters: Uncertain significance (2); Benign (1); Likely benign (2). Last evaluated 2026-03-05.

Conditions:
Emery-Dreifuss muscular dystrophy 5, autosomal dominant (EDMD5). Also called: EMERY-DREIFUSS MUSCULAR DYSTROPHY 5. Identifiers: Orphanet 261, MedGen C2751805, MONDO:0013072, OMIM 612999.

Allele frequency attached by ClinVar (database versions not stated): 1000 Genomes Project 30x 0.00016; 1000 Genomes Project 0.00020; TOPMed 0.00044; gnomAD exomes 0.00048 and 0.00068; gnomAD 0.00050 and 0.00051; ExAC 0.00052; ESP Exome Variant Server 0.00077.
gnomAD v4.1: 1,057 of 1,614,118 alleles (0.065%); highest among the groups gnomAD compares: Non-Finnish European, 0.082%; 1 homozygote.

Submissions (5):

Women's Health and Genetics/Laboratory Corporation of America, LabCorp
Classification: Uncertain significance. Last evaluated: 2026-03-05. Review status: criteria provided, single submitter. Criteria: LabCorp Variant Classification Summary - May 2015. Collection method: clinical testing. Allele origin: germline.
Comment: Variant summary: SYNE2 c.20536C>T (p.Pro6846Ser) results in a non-conservative amino acid change in the encoded protein sequence. Algorithms developed to predict the effect of missense changes on protein structure and function are either unavailable or do not agree on the potential impact of this missense change. The variant allele was found at a frequency of 0.00048 in 248862 control chromosomes. This frequency is not significantly higher than estimated for disease-causing variants in SYNE2, allowing no conclusion about variant significance. To our knowledge, no occurrence of c.20536C>T in individuals affected with SYNE2-related conditions and no experimental evidence demonstrating its impact on protein function have been reported. ClinVar contains an entry for this variant (Variation ID: 313668). Based on the evidence outlined above, the variant was classified as uncertain significance.

Labcorp Genetics (formerly Invitae), Labcorp
Classification: Likely benign for Emery-Dreifuss muscular dystrophy 5, autosomal dominant. Last evaluated: 2025-10-02. Review status: criteria provided, single submitter. Criteria: Invitae Variant Classification Sherloc (09022015). Collection method: clinical testing. Allele origin: germline.

Blueprint Genetics
Classification: Likely benign. Last evaluated: 2024-11-04. Review status: criteria provided, single submitter. Criteria: ACMG Guidelines, 2015. Collection method: clinical testing. Allele origin: germline.

Ambry Genetics
Classification: Uncertain significance. Last evaluated: 2024-09-10. Review status: criteria provided, single submitter. Criteria: Ambry Variant Classification Scheme 2023. Collection method: clinical testing. Allele origin: germline.

Illumina Laboratory Services, Illumina
Classification: Benign for Emery-Dreifuss muscular dystrophy 5, autosomal dominant. Last evaluated: 2018-01-12. Review status: criteria provided, single submitter. Criteria: ICSL Variant Classification Criteria 13 December 2019. Collection method: clinical testing. Allele origin: germline.
Comment: This variant was observed in the ICSL laboratory as part of a predisposition screen in an ostensibly healthy population. It had not been previously curated by ICSL or reported in the Human Gene Mutation Database (HGMD: prior to June 1st, 2018), and was therefore a candidate for classification through an automated scoring system. Utilizing variant allele frequency, disease prevalence and penetrance estimates, and inheritance mode, an automated score was calculated to assess if this variant is too frequent to cause the disease. Based on the score and internal cut-off values, a variant classified as benign is not then subjected to further curation. The score for this variant resulted in a classification of benign for this disease.